The following is an entry in ClinVar:

NM_199420.4(POLQ):c.2811G>T (p.Lys937Asn)

Gene: POLQ (DNA polymerase theta; minus strand). Cytogenetic location: 3q13.33.
Variant type: single nucleotide variant.
Coding change: c.2811G>T on transcript NM_199420.4 (MANE Select); coding-DNA position 2811, G replaced by T.
Protein change: p.Lys937Asn; replaces lysine 937 with asparagine.
Molecular consequence: missense variant.
Genome position (GRCh38, 1-based): chr3:121,490,120, C>A on the plus strand (G>T on the coding strand, the complement: POLQ is on the minus strand). VCF-style: chr3-121490120-C-A. GRCh37 (hg19) VCF-style: chr3-121208967-C-A.
Other names: short protein forms K937N.
Identifiers: ClinVar variation 3308751 (VCV003308751.1).

ClinVar aggregate classification (germline): Uncertain significance (1 of 4 stars; one submission).

Submission:

Ambry Genetics
Classification: Uncertain significance. Last evaluated: 2024-06-24. Review status: criteria provided, single submitter. Criteria: Ambry Variant Classification Scheme 2023. Collection method: clinical testing. Allele origin: germline.
Comment: The p.K937N variant (also known as c.2811G>T), located in coding exon 16 of the POLQ gene, results from a G to T substitution at nucleotide position 2811. The lysine at codon 937 is replaced by asparagine, an amino acid with similar properties. This amino acid position is conserved. In addition, this alteration is predicted to be tolerated by in silico analysis. Based on the available evidence, the clinical significance of this variant remains unclear.